The following is an entry in ClinVar:

NM_001365951.3(KIF1B):c.3930T>A (p.Asp1310Glu)

Gene: KIF1B (kinesin family member 1B; plus strand). Cytogenetic location: 1p36.22.
Variant type: single nucleotide variant.
Coding change: c.3930T>A on transcript NM_001365951.3 (MANE Select); coding-DNA position 3930, T replaced by A.
Protein change: p.Asp1310Glu; replaces aspartic acid 1310 with glutamic acid.
Molecular consequence: missense variant.
Genome position (GRCh38, 1-based): chr1:10,348,714, T>A. VCF-style: chr1-10348714-T-A. GRCh37 (hg19) VCF-style: chr1-10408772-T-A.
Other names: c.3930T>A, p.Asp1310Glu (NM_001365952.1); c.3792T>A, p.Asp1264Glu (NM_015074.3); short protein forms D1264E, D1310E.
Identifiers: ClinVar variation 3226477 (VCV003226477.1), dbSNP rs2521799318, ClinGen allele CA338343806.

ClinVar aggregate classification (germline): Uncertain significance (1 of 4 stars; one submission).

Submission:

Ambry Genetics
Classification: Uncertain significance. Last evaluated: 2023-12-23. Review status: criteria provided, single submitter. Criteria: Ambry Variant Classification Scheme 2023. Collection method: clinical testing. Allele origin: germline.
Comment: The p.D1264E variant (also known as c.3792T>A), located in coding exon 34 of the KIF1B gene, results from a T to A substitution at nucleotide position 3792. The aspartic acid at codon 1264 is replaced by glutamic acid, an amino acid with highly similar properties. This amino acid position is conserved. In addition, this alteration is predicted to be tolerated by in silico analysis. Since supporting evidence is limited at this time, the clinical significance of this alteration remains unclear.